The following is an entry in ClinVar:

NM_002473.6(MYH9):c.2913G>A (p.Ala971=)

Genes: MYH9 (myosin heavy chain 9; minus strand), LOC126863137 (CDK7 strongly-dependent group 2 enhancer GRCh37_chr22:36696002-36697201; plus strand). Cytogenetic location: 22q12.3.
Variant type: single nucleotide variant.
Coding change: c.2913G>A on transcript NM_002473.6 (MANE Select); coding-DNA position 2913, G replaced by A.
Protein change: p.Ala971=; no amino-acid change (alanine 971 retained).
Molecular consequence: synonymous variant.
Genome position (GRCh38, 1-based): chr22:36,300,190, C>T on the plus strand (G>A on the coding strand, the complement: MYH9 is on the minus strand). VCF-style: chr22-36300190-C-T. GRCh37 (hg19) VCF-style: chr22-36696236-C-T.
Identifiers: ClinVar variation 1223302 (VCV001223302.41), dbSNP rs200763055, ClinGen allele CA10209815.

ClinVar aggregate classification (germline): Benign/Likely benign. Review status: criteria provided, multiple submitters, no conflicts (2 of 4 stars). 5 submissions from 5 submitters: Benign (3); Likely benign (2). Last evaluated 2026-01-14.

Conditions:
Macrothrombocytopenia and granulocyte inclusions with or without nephritis or sensorineural hearing loss (MATINS). Also called: MACROTHROMBOCYTOPENIA WITH LEUKOCYTE INCLUSIONS; BLEEDING DISORDER, PLATELET-TYPE, 6; MYH9-Related Disease (MYH9-RD); MAY-HEGGLIN ANOMALY; DOHLE LEUKOCYTE INCLUSIONS WITH GIANT PLATELETS; SEBASTIAN PLATELET SYNDROME. Identifiers: Orphanet 182050, MedGen C5200934, MONDO:0015912, OMIM 155100.
Autosomal dominant nonsyndromic hearing loss 17. Also called: Deafness, autosomal dominant 17; Autosomal dominant nonsyndromic deafness 17. Identifiers: Orphanet 90635, MedGen C1863659, MONDO:0011350, OMIM 603622.

Allele frequency attached by ClinVar (database versions not stated): 1000 Genomes Project 30x 0.00016; 1000 Genomes Project 0.00020; gnomAD exomes 0.00045 and 0.00114; ExAC 0.00094; gnomAD 0.00110 and 0.00116; TOPMed 0.00007; ESP Exome Variant Server 0.00008.
gnomAD v4.1: 820 of 1,613,500 alleles (0.051%); highest among the groups gnomAD compares: Non-Finnish European, 0.0081%; 3 homozygotes.

Submissions (5):

Labcorp Genetics (formerly Invitae), Labcorp
Classification: Benign. Last evaluated: 2026-01-14. Review status: criteria provided, single submitter. Criteria: Invitae Variant Classification Sherloc (09022015). Collection method: clinical testing. Allele origin: germline.

Blueprint Genetics
Classification: Likely benign. Last evaluated: 2024-11-27. Review status: criteria provided, single submitter. Criteria: ACMG Guidelines, 2015. Collection method: clinical testing. Allele origin: germline.

CeGaT Center for Human Genetics Tuebingen
Classification: Likely benign. Last evaluated: 2023-04-01. Review status: criteria provided, single submitter. Criteria: CeGaT Center For Human Genetics Tuebingen Variant Classification Criteria Version 2. Collection method: clinical testing. Allele origin: germline. Affected: yes. Observed: 1 variant allele.
Comment: MYH9: BP4, BP7

Fulgent Genetics
Classification: Benign for Macrothrombocytopenia and granulocyte inclusions with or without nephritis or sensorineural hearing loss; Autosomal dominant nonsyndromic hearing loss 17. Last evaluated: 2021-11-11. Review status: criteria provided, single submitter. Criteria: ACMG Guidelines, 2015. Collection method: clinical testing. Allele origin: unknown.

GeneDx
Classification: Benign. Last evaluated: 2020-12-22. Review status: criteria provided, single submitter. Criteria: GeneDx Variant Classification Process June 2021. Collection method: clinical testing. Allele origin: germline. Affected: yes.